The following is an entry in ClinVar:

NM_001371928.1(AHDC1):c.4546A>C (p.Lys1516Gln)

Gene: AHDC1 (AT-hook DNA binding motif containing 1; minus strand). Cytogenetic location: 1p36.11.
Variant type: single nucleotide variant.
Coding change: c.4546A>C on transcript NM_001371928.1 (MANE Select); coding-DNA position 4546, A replaced by C.
Protein change: p.Lys1516Gln; replaces lysine 1516 with glutamine.
Molecular consequence: missense variant.
Genome position (GRCh38, 1-based): chr1:27,547,570, T>G on the plus strand (A>C on the coding strand, the complement: AHDC1 is on the minus strand). VCF-style: chr1-27547570-T-G. GRCh37 (hg19) VCF-style: chr1-27874081-T-G.
Other names: c.4546A>C (NM_001029882.2); c.4546A>C, p.Lys1516Gln (NM_001029882.3); c.502A>C, p.Lys168Gln (NM_015699.1); short protein forms K168Q, K1516Q.
Identifiers: ClinVar variation 2902084 (VCV002902084.4), dbSNP rs2019237372, ClinGen allele CA339220821.

ClinVar aggregate classification (germline): Uncertain significance. Review status: criteria provided, multiple submitters, no conflicts (2 of 4 stars). 2 submissions from 2 submitters: Uncertain significance (2). Last evaluated 2025-06-24.

Conditions:
Inborn genetic diseases. Identifiers: MedGen C0950123, MeSH D030342.

Allele frequency attached by ClinVar (database versions not stated): TOPMed below 0.00001.

Submissions (2):

Ambry Genetics
Classification: Uncertain significance for Inborn genetic diseases. Last evaluated: 2025-06-24. Review status: criteria provided, single submitter. Criteria: Ambry Variant Classification Scheme 2023. Collection method: clinical testing. Allele origin: germline.

Labcorp Genetics (formerly Invitae), Labcorp
Classification: Uncertain significance. Last evaluated: 2022-11-14. Review status: criteria provided, single submitter. Criteria: Invitae Variant Classification Sherloc (09022015). Collection method: clinical testing. Allele origin: germline.
Comment: This variant has not been reported in the literature in individuals affected with AHDC1-related conditions. This sequence change replaces lysine, which is basic and polar, with glutamine, which is neutral and polar, at codon 1516 of the AHDC1 protein (p.Lys1516Gln). This variant is not present in population databases (gnomAD no frequency). Algorithms developed to predict the effect of missense changes on protein structure and function are either unavailable or do not agree on the potential impact of this missense change (SIFT: "Deleterious"; PolyPhen-2: "Possibly Damaging"; Align-GVGD: "Class C0"). In summary, the available evidence is currently insufficient to determine the role of this variant in disease. Therefore, it has been classified as a Variant of Uncertain Significance.